The following is an entry in ClinVar:

ClinVar aggregate classification (germline): Uncertain significance. Review status: criteria provided, multiple submitters, no conflicts (2 of 4 stars). 3 submissions from 3 submitters: Uncertain significance (3). Last evaluated 2025-07-16.

Conditions:
Inborn genetic diseases. Identifiers: MedGen C0950123, MeSH D030342.
Saldino-Mainzer syndrome (SRTD9). Also called: Renal dysplasia, retinal pigmentary dystrophy, cerebellar ataxia and skeletal dysplasia; CONORENAL SYNDROME; short-rib thoracic dysplasia 9 with or without polydactyly; SHORT-RIB THORACIC DYSPLASIA 9 WITHOUT POLYDACTYLY. Identifiers: Orphanet 140969, MedGen C1849437, MONDO:0009964, OMIM 266920.

Allele frequency attached by ClinVar (database versions not stated): gnomAD 0.00002; gnomAD exomes 0.00002 and 0.00004; ExAC 0.00003; TOPMed 0.00003.
gnomAD v4.1: 37 of 1,612,280 alleles (0.0023%); highest among the groups gnomAD compares: East Asian, 0.013%; no homozygotes.

Submissions (3):

Labcorp Genetics (formerly Invitae), Labcorp
Classification: Uncertain significance for Saldino-Mainzer syndrome. Last evaluated: 2025-07-16. Review status: criteria provided, single submitter. Criteria: Invitae Variant Classification Sherloc (09022015). Collection method: clinical testing. Allele origin: germline.
Comment: This sequence change replaces arginine, which is basic and polar, with cysteine, which is neutral and slightly polar, at codon 931 of the IFT140 protein (p.Arg931Cys). This variant is present in population databases (rs778436557, gnomAD 0.04%). This variant has not been reported in the literature in individuals affected with IFT140-related conditions. ClinVar contains an entry for this variant (Variation ID: 935842). Invitae Evidence Modeling of protein sequence and biophysical properties (such as structural, functional, and spatial information, amino acid conservation, physicochemical variation, residue mobility, and thermodynamic stability) indicates that this missense variant is not expected to disrupt IFT140 protein function with a negative predictive value of 80%. In summary, the available evidence is currently insufficient to determine the role of this variant in disease. Therefore, it has been classified as a Variant of Uncertain Significance.

Ambry Genetics
Classification: Uncertain significance for Inborn genetic diseases. Last evaluated: 2024-01-04. Review status: criteria provided, single submitter. Criteria: Ambry Variant Classification Scheme 2023. Collection method: clinical testing. Allele origin: germline.

Blueprint Genetics
Classification: Uncertain significance. Last evaluated: 2022-12-29. Review status: criteria provided, single submitter. Criteria: ACMG Guidelines, 2015. Collection method: clinical testing. Allele origin: germline.

NM_014714.4(IFT140):c.2791C>T (p.Arg931Cys)

Genes: IFT140 (intraflagellar transport 140; minus strand), LOC126862260 (CDK7 strongly-dependent group 2 enhancer GRCh37_chr16:1574508-1575707; plus strand). Cytogenetic location: 16p13.3.
Variant type: single nucleotide variant.
Coding change: c.2791C>T on transcript NM_014714.4 (MANE Select); coding-DNA position 2791, C replaced by T.
Protein change: p.Arg931Cys; replaces arginine 931 with cysteine.
Molecular consequence: missense variant.
Genome position (GRCh38, 1-based): chr16:1,525,304, G>A on the plus strand (C>T on the coding strand, the complement: IFT140 is on the minus strand). VCF-style: chr16-1525304-G-A. GRCh37 (hg19) VCF-style: chr16-1575305-G-A.
Other names: short protein forms R931C.
Identifiers: ClinVar variation 935842 (VCV000935842.10), dbSNP rs778436557, ClinGen allele CA7813475.